The following is an entry in ClinVar:

NM_001079866.2(BCS1L):c.245C>A (p.Ser82Ter)

Gene: BCS1L (BCS1 ubiquinol-cytochrome c reductase complex chaperone; plus strand). Cytogenetic location: 2q35.
Variant type: single nucleotide variant.
Coding change: c.245C>A on transcript NM_001079866.2 (MANE Select); coding-DNA position 245, C replaced by A.
Protein change: p.Ser82Ter; replaces serine 82 with a stop codon.
Molecular consequence: nonsense. On other transcripts: 5 prime UTR variant (5), non-coding transcript variant (1), intron variant (3).
Genome position (GRCh38, 1-based): chr2:218,661,232, C>A. VCF-style: chr2-218661232-C-A. GRCh37 (hg19) VCF-style: chr2-219525955-C-A.
Other names: c.245C>A, p.Ser82Ter (NM_001257342.2, NM_001257343.2, NM_001257344.2 and 10 more transcripts); c.-232C>A (NM_001371453.1, NM_001371454.1, NM_001371455.1 and 2 more transcripts); c.-40-174C>A (NM_001371451.1, NM_001318836.2); c.-41-527C>A (NM_001371452.1); short protein forms S82*.
Identifiers: ClinVar variation 371015 (VCV000371015.14), dbSNP rs749196764, ClinGen allele CA16040859.

ClinVar aggregate classification (germline): Pathogenic. Review status: criteria provided, multiple submitters, no conflicts (2 of 4 stars). 5 submissions from 4 submitters: Pathogenic (4). 1 of the submissions does not count toward it. Last evaluated 2023-11-28.

Conditions:
GRACILE syndrome (FLNMS). Also called: FELLMAN SYNDROME; FINNISH LETHAL NEONATAL METABOLIC SYNDROME. Identifiers: Orphanet 53693, MedGen C1864002, MONDO:0011308, OMIM 603358.
Pili torti-deafness syndrome (BJS). Also called: PILI TORTI AND NERVE DEAFNESS; Bjornstad syndrome. Identifiers: Orphanet 123, MedGen C0266006, MONDO:0009872, OMIM 262000.
Mitochondrial complex III deficiency nuclear type 1. Identifiers: Orphanet 254902, MedGen C3541471, MONDO:0007415, OMIM 124000.

gnomAD v4.1: 1 of 1,614,226 alleles (0.000062%); no homozygotes.

Submissions (5):

Labcorp Genetics (formerly Invitae), Labcorp
Classification: Pathogenic. Last evaluated: 2023-11-28. Review status: criteria provided, single submitter. Criteria: Invitae Variant Classification Sherloc (09022015). Collection method: clinical testing. Allele origin: germline.
Comment: This sequence change creates a premature translational stop signal (p.Ser82*) in the BCS1L gene. It is expected to result in an absent or disrupted protein product. Loss-of-function variants in BCS1L are known to be pathogenic (PMID: 12215968, 17314340, 19162478, 19508421, 22277166, 25895478). This variant is present in population databases (no rsID available, gnomAD 0.006%). This variant has not been reported in the literature in individuals affected with BCS1L-related conditions. ClinVar contains an entry for this variant (Variation ID: 371015). Algorithms developed to predict the effect of sequence changes on RNA splicing suggest that this variant may disrupt the consensus splice site. For these reasons, this variant has been classified as Pathogenic.

Baylor Genetics
Classification: Pathogenic for Pili torti-deafness syndrome. Last evaluated: 2023-07-11. Review status: criteria provided, single submitter. Criteria: ACMG Guidelines, 2015. Collection method: clinical testing. Allele origin: unknown.

Baylor Genetics
Classification: Pathogenic for Mitochondrial complex III deficiency nuclear type 1. Last evaluated: 2018-04-10. Review status: criteria provided, single submitter. Criteria: ACMG Guidelines, 2015. Collection method: clinical testing. Allele origin: maternal. Affected: yes.
Comment: This variant was determined to be pathogenic according to ACMG Guidelines, 2015 [PMID:25741868].

Juno Genomics, Hangzhou Juno Genomics, Inc
Classification: Pathogenic for Pili torti-deafness syndrome; GRACILE syndrome; Mitochondrial complex III deficiency nuclear type 1. Review status: criteria provided, single submitter. Criteria: ACMG Guidelines, 2015. Collection method: clinical testing. Allele origin: germline. Affected: yes.
Comment: Null variant in a gene where loss of function (LOF) is a known mechanism of disease.;Absent from controls (or at extremely low frequency if recessive) in Genome Aggregation Database, Exome Sequencing Project, 1000 Genomes Project, or Exome Aggregation Consortium.;For recessive disorders, detected in trans with a pathogenic variant.;Patient's phenotype or family history is highly specific for a disease with a single genetic etiology.

Counsyl
Classification: Likely pathogenic for GRACILE syndrome. Last evaluated: 2016-06-08. Review status: no assertion criteria provided. Collection method: clinical testing. Allele origin: unknown. Not counted in ClinVar's aggregate classification.

Literature cited by the submitters: PubMed 12215968 (cited by Labcorp Genetics (formerly Invitae), Labcorp); PubMed 17314340 (cited by Labcorp Genetics (formerly Invitae), Labcorp); PubMed 19162478 (cited by Labcorp Genetics (formerly Invitae), Labcorp); PubMed 19508421 (cited by Labcorp Genetics (formerly Invitae), Labcorp); PubMed 22277166 (cited by Labcorp Genetics (formerly Invitae), Labcorp); PubMed 25895478 (cited by Labcorp Genetics (formerly Invitae), Labcorp).